The following is an entry in ClinVar:

NM_005909.5(MAP1B):c.7196G>T (p.Arg2399Leu)

Gene: MAP1B (microtubule associated protein 1B; plus strand). Cytogenetic location: 5q13.2.
Variant type: single nucleotide variant.
Coding change: c.7196G>T on transcript NM_005909.5 (MANE Select); coding-DNA position 7196, G replaced by T.
Protein change: p.Arg2399Leu; replaces arginine 2399 with leucine.
Molecular consequence: missense variant.
Genome position (GRCh38, 1-based): chr5:72,203,746, G>T. VCF-style: chr5-72203746-G-T. GRCh37 (hg19) VCF-style: chr5-71499573-G-T.
Other names: c.6818G>T, p.Arg2273Leu (NM_001324255.2); short protein forms R2399L, R2273L.
Identifiers: ClinVar variation 4986241 (VCV004986241.1).
Genomic context (GRCh38, chr5:72,203,746, plus strand): 5'-GAGTGCGGTCTTCCTACTACGTGGTGAGTGGGAATGACCCTGCTGCTGAGGAGCCCAGCC[G>T]GGCTGTCCTGGACGCTTTGTTGGAAGGAAAGGCTCAGTGGGGCAGCAACATGCAGGTGAG-3'
Protein context (NP_005900.2, residues 2389-2409): GNDPAAEEPS[Arg2399Leu]AVLDALLEGK

ClinVar aggregate classification (germline): Uncertain significance (1 of 4 stars; one submission).

Conditions:
MAP1B-related disorder. Also called: MAP1B-related condition.

Submission:

PreventionGenetics, part of Exact Sciences
Classification: Uncertain significance for MAP1B-related condition. Last evaluated: 2026-08-20. Review status: criteria provided, single submitter. Criteria: ACMG Guidelines, 2015. Collection method: clinical testing. Allele origin: germline.
Comment: The MAP1B c.7196G>T variant is predicted to result in the amino acid substitution p.Arg2399Leu. To our knowledge, this variant has not been reported in the literature or in a large population database (gnomAD), indicating this variant is rare. At this time, the clinical significance of this variant is uncertain due to the absence of conclusive functional and genetic evidence.